The following is an entry in ClinVar:

ClinVar aggregate classification (germline): Pathogenic (1 of 4 stars; one submission).

Conditions:
Primary ciliary dyskinesia 3. Identifiers: Orphanet 244, MedGen C1837618, MONDO:0012085, OMIM 608644.

Submission:

Myriad Genetics, Inc.
Classification: Pathogenic for Primary ciliary dyskinesia 3. Last evaluated: 2025-02-10. Review status: criteria provided, single submitter. Criteria: Myriad Autosomal Dominant, Autosomal Recessive and X-Linked Classification Criteria (2023). Collection method: clinical testing. Allele origin: unknown.
Comment: NM_001369.2(DNAH5):c.12211delC(R4071Vfs*42) is expected to be pathogenic in the context of primary ciliary dyskinesia, DNAH5-related. This variant is predicted to lead to an abnormal or absent protein product due to the creation of a premature termination codon in DNAH5, a gene where loss-of-function variants are known to be pathogenic. Please note: this variant was assessed in the context of healthy population screening.

NM_001369.3(DNAH5):c.12211del (p.Arg4071fs)

Gene: DNAH5 (dynein axonemal heavy chain 5; minus strand). Cytogenetic location: 5p15.2.
Variant type: Deletion.
Coding change: c.12211del on transcript NM_001369.3 (MANE Select); coding-DNA position 12211, one base deleted (C; older notation c.12211delC).
Protein change: p.Arg4071fs; shifts the reading frame from arginine 4071.
Molecular consequence: frameshift variant.
Genome position (GRCh38, 1-based): chr5:13,721,068, G deleted on the plus strand (C on the coding strand, the reverse complement: DNAH5 is on the minus strand); the first of 3 consecutive G bases (chr5:13,721,068-13,721,070); deleting any one gives the same sequence. VCF-style (leftmost placement, unchanged base first): chr5-13721067-CG-C. GRCh37 (hg19) VCF-style: chr5-13721176-CG-C.
Other names: short protein forms R4071fs.
Identifiers: ClinVar variation 5014083 (VCV005014083.1).